The following is an entry in ClinVar:

ClinVar aggregate classification (germline): Uncertain significance (1 of 4 stars; one submission).

Allele frequency attached by ClinVar (database versions not stated): gnomAD exomes below 0.00001.
gnomAD v4.1: 1 of 1,613,868 alleles (0.000062%); highest among the groups gnomAD compares: African/African-American, 0.0013%; no homozygotes.

Submission:

Labcorp Genetics (formerly Invitae), Labcorp
Classification: Uncertain significance. Last evaluated: 2022-05-22. Review status: criteria provided, single submitter. Criteria: Invitae Variant Classification Sherloc (09022015). Collection method: clinical testing. Allele origin: germline.
Comment: In summary, the available evidence is currently insufficient to determine the role of this variant in disease. Therefore, it has been classified as a Variant of Uncertain Significance. Algorithms developed to predict the effect of sequence changes on RNA splicing suggest that this variant may create or strengthen a splice site. This variant has not been reported in the literature in individuals affected with SEMA4A-related conditions. This variant is not present in population databases (gnomAD no frequency). This sequence change falls in intron 3 of the SEMA4A gene. It does not directly change the encoded amino acid sequence of the SEMA4A protein.

NM_022367.4(SEMA4A):c.301-13T>G

Gene: SEMA4A (semaphorin 4A; plus strand). Cytogenetic location: 1q22.
Variant type: single nucleotide variant.
Coding change: c.301-13T>G on transcript NM_022367.4 (MANE Select); 13 bases into the intron before coding-DNA position 301, T replaced by G.
Molecular consequence: intron variant.
Genome position (GRCh38, 1-based): chr1:156,158,057, T>G. VCF-style: chr1-156158057-T-G. GRCh37 (hg19) VCF-style: chr1-156127848-T-G.
Other names: c.-224-13T>G (NM_001370571.1, NM_001370569.1); c.301-13T>G (NM_001193300.2, NM_001193301.2, NM_001370567.1); c.4-13T>G (NM_001370568.1, NM_001193302.2).
Identifiers: ClinVar variation 1949563 (VCV001949563.5), dbSNP rs1572393242, ClinGen allele CA1200481750.